The following is an entry in ClinVar:

NM_201384.3(PLEC):c.11844G>A (p.Ser3948=)

Gene: PLEC (plectin; minus strand). Cytogenetic location: 8q24.3.
Variant type: single nucleotide variant.
Coding change: c.11844G>A on transcript NM_201384.3 (MANE Select); coding-DNA position 11844, G replaced by A.
Protein change: p.Ser3948=; no amino-acid change (serine 3948 retained).
Molecular consequence: synonymous variant.
Genome position (GRCh38, 1-based): chr8:143,917,977, C>T on the plus strand (G>A on the coding strand, the complement: PLEC is on the minus strand). VCF-style: chr8-143917977-C-T. GRCh37 (hg19) VCF-style: chr8-144992145-C-T.
Other names: c.11925G>A, p.Ser3975= (NM_000445.5); c.11802G>A, p.Ser3934= (NM_201378.4); c.11778G>A, p.Ser3926= (NM_201379.3); c.12255G>A, p.Ser4085= (NM_201380.4); c.11748G>A, p.Ser3916= (NM_201381.3); c.11844G>A, p.Ser3948= (NM_201382.4); c.11856G>A, p.Ser3952= (NM_201383.3).
Identifiers: ClinVar variation 281833 (VCV000281833.42), dbSNP rs782025071, ClinGen allele CA4924233.

ClinVar aggregate classification (germline): Conflicting classifications of pathogenicity. Review status: criteria provided, conflicting classifications (1 of 4 stars). 8 submissions from 8 submitters: Uncertain significance (1); Benign (1); Likely benign (6). Last evaluated 2026-06-29.

Conditions:
Epidermolysis bullosa simplex, Ogna type (EBS5A). Also called: Pidermolysis bullosa simplex 5A, Ogna type; EPIDERMOLYSIS BULLOSA SIMPLEX 5A, OGNA TYPE. Identifiers: Orphanet 79401, MedGen C0432317, MONDO:0007555, OMIM 131950.
Epidermolysis bullosa simplex with nail dystrophy (EBS5D). Identifiers: MedGen C4225309, MONDO:0014661, OMIM 616487.
Autosomal recessive limb-girdle muscular dystrophy type 2Q (LGMDR17). Also called: MUSCULAR DYSTROPHY, LIMB-GIRDLE, AUTOSOMAL RECESSIVE 17. Identifiers: Orphanet 254361, MedGen C3150989, MONDO:0013390, OMIM 613723.
Epidermolysis bullosa simplex 5C, with pyloric atresia (EBS5C). Also called: Epidermolysis bullosa simplex with pyloric atresia; PLEC1-Related Epidermolysis Bullosa with Pyloric Atresia; PLEC-Related Epidermolysis Bullosa with Pyloric Atresia. Identifiers: Orphanet 158684, MedGen C2677349, MONDO:0012807, OMIM 612138.
Epidermolysis bullosa simplex 5B, with muscular dystrophy (EBS5B). Also called: Epidermolysis bullosa simplex with muscular dystrophy; EPIDERMOLYSIS BULLOSA SIMPLEX AND LIMB-GIRDLE MUSCULAR DYSTROPHY. Identifiers: Orphanet 257, MedGen C2931072, MONDO:0009181, OMIM 226670.
Inborn genetic diseases. Identifiers: MedGen C0950123, MeSH D030342.
PLEC-related disorder. Also called: PLEC-related disorders; PLEC-related condition.

Allele frequency attached by ClinVar (database versions not stated): gnomAD 0.00006; TOPMed 0.00006; ExAC 0.00011; gnomAD exomes 0.00014.
gnomAD v4.1: 128 of 1,612,630 alleles (0.0079%); highest among the groups gnomAD compares: Admixed American, 0.045%; no homozygotes.

Submissions (8):

PreventionGenetics, part of Exact Sciences
Classification: Likely benign for PLEC-related condition. Last evaluated: 2026-06-29. Review status: criteria provided, single submitter. Criteria: ACMG Guidelines, 2015. Collection method: clinical testing. Allele origin: germline.
Comment: This variant is classified as likely benign based on ACMG/AMP sequence variant interpretation guidelines (Richards et al. 2015 PMID: 25741868, with internal and published modifications).

Labcorp Genetics (formerly Invitae), Labcorp
Classification: Likely benign for Autosomal recessive limb-girdle muscular dystrophy type 2Q; Epidermolysis bullosa simplex, Ogna type; Epidermolysis bullosa simplex with nail dystrophy; Epidermolysis bullosa simplex 5C, with pyloric atresia; Epidermolysis bullosa simplex 5B, with muscular dystrophy. Last evaluated: 2025-12-27. Review status: criteria provided, single submitter. Criteria: Invitae Variant Classification Sherloc (09022015). Collection method: clinical testing. Allele origin: germline.

Athena Diagnostics
Classification: Benign. Last evaluated: 2025-07-15. Review status: criteria provided, single submitter. Criteria: Athena Diagnostics Criteria. Collection method: clinical testing. Allele origin: unknown.
Comment: The frequency of this variant in the general population is higher than would generally be expected for pathogenic variants in this gene. Computational tools yielded predictions that this variant is unlikely to have an effect on normal RNA splicing. This nucleotide position exhibits low evolutionary conservation.

Blueprint Genetics
Classification: Likely benign. Last evaluated: 2024-05-29. Review status: criteria provided, single submitter. Criteria: ACMG Guidelines, 2015. Collection method: clinical testing. Allele origin: germline.

Ambry Genetics
Classification: Likely benign for Inborn genetic diseases. Last evaluated: 2023-10-30. Review status: criteria provided, single submitter. Criteria: Ambry Variant Classification Scheme 2023. Collection method: clinical testing. Allele origin: germline.

CeGaT Center for Human Genetics Tuebingen
Classification: Likely benign. Last evaluated: 2022-04-01. Review status: criteria provided, single submitter. Criteria: CeGaT Center For Human Genetics Tuebingen Variant Classification Criteria Version 2. Collection method: clinical testing. Allele origin: germline. Affected: yes. Observed: 1 variant allele.
Comment: PLEC: BP4, BP7

GeneDx
Classification: Likely benign. Last evaluated: 2017-05-12. Review status: criteria provided, single submitter. Criteria: GeneDx Variant Classification (06012015). Collection method: clinical testing. Allele origin: germline. Affected: yes.
Comment: This variant is considered likely benign or benign based on one or more of the following criteria: it is a conservative change, it occurs at a poorly conserved position in the protein, it is predicted to be benign by multiple in silico algorithms, and/or has population frequency not consistent with disease.

Eurofins Ntd Llc (ga)
Classification: Uncertain significance. Last evaluated: 2015-07-06. Review status: criteria provided, single submitter. Criteria: EGL Classification Definitions 2015. Collection method: clinical testing. Allele origin: germline. Observed: 1 variant allele, 1 heterozygote.